The following is an entry in ClinVar:

NM_002474.3(MYH11):c.2059-266G>A

Gene: MYH11 (myosin heavy chain 11; minus strand). Cytogenetic location: 16p13.11.
Variant type: single nucleotide variant.
Coding change: c.2059-266G>A on transcript NM_002474.3 (MANE Select); 266 bases into the intron before coding-DNA position 2059, G replaced by A.
Molecular consequence: intron variant.
Genome position (GRCh38, 1-based): chr16:15,748,434, C>T on the plus strand (G>A on the coding strand, the complement: MYH11 is on the minus strand). VCF-style: chr16-15748434-C-T. GRCh37 (hg19) VCF-style: chr16-15842291-C-T.
Other names: c.2059-266G>A (NM_022844.3); c.2080-266G>A (NM_001040114.2, NM_001040113.2).
Identifiers: ClinVar variation 669983 (VCV000669983.1), dbSNP rs60867763, ClinGen allele CA278637271.

ClinVar aggregate classification (germline): Benign (1 of 4 stars; one submission).

Allele frequency attached by ClinVar (database versions not stated): gnomAD 0.02378 and 0.02562; 1000 Genomes Project 0.02456; 1000 Genomes Project 30x 0.02545; TOPMed 0.02679.
gnomAD v4.1: 3,588 of 152,278 alleles (2.4%); highest among the groups gnomAD compares: African/African-American, 8.2%; 138 homozygotes.

Submission:

GeneDx
Classification: Benign. Last evaluated: 2018-06-14. Review status: criteria provided, single submitter. Criteria: GeneDx Variant Classification (06012015). Collection method: clinical testing. Allele origin: germline. Affected: yes.
Comment: This variant is considered likely benign or benign based on one or more of the following criteria: it is a conservative change, it occurs at a poorly conserved position in the protein, it is predicted to be benign by multiple in silico algorithms, and/or has population frequency not consistent with disease.